The following is an entry in ClinVar:

NM_000228.3(LAMB3):c.863del (p.Pro288fs)

Gene: LAMB3 (laminin subunit beta 3; minus strand). Cytogenetic location: 1q32.2.
Variant type: Deletion.
Coding change: c.863del on transcript NM_000228.3 (MANE Select); coding-DNA position 863, one base deleted (C; older notation c.863delC).
Protein change: p.Pro288fs; shifts the reading frame from proline 288.
Molecular consequence: frameshift variant.
Genome position (GRCh38, 1-based): chr1:209,630,695, G deleted on the plus strand (C on the coding strand, the reverse complement: LAMB3 is on the minus strand); the first of 3 consecutive G bases (chr1:209,630,695-209,630,697); deleting any one gives the same sequence. VCF-style (leftmost placement, unchanged base first): chr1-209630694-TG-T. GRCh37 (hg19) VCF-style: chr1-209804039-TG-T.
Other names: c.863del, p.Pro288fs (NM_001017402.2, NM_001127641.1); short protein forms P288fs.
Identifiers: ClinVar variation 2033260 (VCV002033260.4), dbSNP rs2464855898, ClinGen allele CA2580062015.
Genomic context (GRCh38, chr1:209,630,694, plus strand): 5'-CTGGCCCTCCGCCGGTCTCCAGGGCCGGTTGTTGTAGAAGGGTGCACAGCGCTCACAATT[TG>T]GGCCGGCAGTGTTGTGCTGGCAGACACAGACATCGTGGACCTGGGAGGGGGACCGTCAGC-3'

ClinVar aggregate classification (germline): Pathogenic (1 of 4 stars; one submission).

Submission:

Labcorp Genetics (formerly Invitae), Labcorp
Classification: Pathogenic. Last evaluated: 2022-10-05. Review status: criteria provided, single submitter. Criteria: Invitae Variant Classification Sherloc (09022015). Collection method: clinical testing. Allele origin: germline.
Comment: This variant has not been reported in the literature in individuals affected with LAMB3-related conditions. This variant is not present in population databases (gnomAD no frequency). This sequence change creates a premature translational stop signal (p.Pro288Glnfs*108) in the LAMB3 gene. It is expected to result in an absent or disrupted protein product. Loss-of-function variants in LAMB3 are known to be pathogenic (PMID: 11023379, 16473856). For these reasons, this variant has been classified as Pathogenic.

Literature cited by the submitters: PubMed 11023379; PubMed 16473856.